The following is an entry in ClinVar:

NM_004629.2(FANCG):c.965T>G (p.Leu322Arg)

Gene: FANCG (FA complementation group G; minus strand). Cytogenetic location: 9p13.3.
Variant type: single nucleotide variant.
Coding change: c.965T>G on transcript NM_004629.2 (MANE Select); coding-DNA position 965, T replaced by G.
Protein change: p.Leu322Arg; replaces leucine 322 with arginine.
Molecular consequence: missense variant.
Genome position (GRCh38, 1-based): chr9:35,076,543, A>C on the plus strand (T>G on the coding strand, the complement: FANCG is on the minus strand). VCF-style: chr9-35076543-A-C. GRCh37 (hg19) VCF-style: chr9-35076540-A-C.
Other names: short protein forms L322R.
Identifiers: ClinVar variation 2049765 (VCV002049765.4), dbSNP rs755753920, ClinGen allele CA373311102.

ClinVar aggregate classification (germline): Uncertain significance (1 of 4 stars; one submission).

Conditions:
Fanconi anemia (FA). Also called: Fanconi's anemia. Identifiers: Orphanet 84, MedGen C0015625, MeSH D005199, MONDO:0019391.

gnomAD v4.1: 1 of 1,614,158 alleles (0.000062%); highest among the groups gnomAD compares: Non-Finnish European, 0.000085%; no homozygotes.

Submission:

Labcorp Genetics (formerly Invitae), Labcorp
Classification: Uncertain significance for Fanconi anemia. Last evaluated: 2023-10-05. Review status: criteria provided, single submitter. Criteria: Invitae Variant Classification Sherloc (09022015). Collection method: clinical testing. Allele origin: germline.
Comment: This sequence change replaces leucine, which is neutral and non-polar, with arginine, which is basic and polar, at codon 322 of the FANCG protein (p.Leu322Arg). This variant is present in population databases (no rsID available, gnomAD 0.0009%). This variant has not been reported in the literature in individuals affected with FANCG-related conditions. ClinVar contains an entry for this variant (Variation ID: 2049765). Advanced modeling of protein sequence and biophysical properties (such as structural, functional, and spatial information, amino acid conservation, physicochemical variation, residue mobility, and thermodynamic stability) performed at Invitae indicates that this missense variant is expected to disrupt FANCG protein function. In summary, the available evidence is currently insufficient to determine the role of this variant in disease. Therefore, it has been classified as a Variant of Uncertain Significance.